The following is an entry in ClinVar:

NM_005045.4(RELN):c.7380A>G (p.Gln2460=)

Gene: RELN (reelin; minus strand). Cytogenetic location: 7q22.1.
Variant type: single nucleotide variant.
Coding change: c.7380A>G on transcript NM_005045.4 (MANE Select); coding-DNA position 7380, A replaced by G.
Protein change: p.Gln2460=; no amino-acid change (glutamine 2460 retained).
Molecular consequence: synonymous variant.
Genome position (GRCh38, 1-based): chr7:103,523,501, T>C on the plus strand (A>G on the coding strand, the complement: RELN is on the minus strand). VCF-style: chr7-103523501-T-C. GRCh37 (hg19) VCF-style: chr7-103163948-T-C.
Other names: c.7380A>G, p.Gln2460= (NM_173054.3).
Identifiers: ClinVar variation 2635922 (VCV002635922.1), dbSNP rs2484756291, ClinGen allele CA457030541.

ClinVar aggregate classification (germline): Uncertain significance (1 of 4 stars; one submission).

Conditions:
RELN-related disorder. Also called: RELN-related condition.

Allele frequency attached by ClinVar (database versions not stated): gnomAD exomes below 0.00001.
gnomAD v4.1: 6 of 1,614,044 alleles (0.00037%); highest among the groups gnomAD compares: South Asian, 0.0011%; no homozygotes.

Submission:

PreventionGenetics, part of Exact Sciences
Classification: Uncertain significance for RELN-related condition. Last evaluated: 2022-10-18. Review status: criteria provided, single submitter. Criteria: ACMG Guidelines, 2015. Collection method: clinical testing. Allele origin: germline.
Comment: The RELN c.7380A>G variant is not predicted to result in an amino acid change (p.=). However, this variant is predicted to modestly activate a cryptic spice acceptor and may modify splicing (Alamut Visual v2.11). To our knowledge, this variant has not been reported in the literature or in a large population database, indicating this variant is rare. At this time, the clinical significance of this variant is uncertain due to the absence of conclusive functional and genetic evidence.